The following is an entry in ClinVar:

ClinVar aggregate classification (germline): Uncertain significance (1 of 4 stars; one submission).

Conditions:
Brugada syndrome. Also called: Sudden unexpected nocturnal death syndrome; Sudden unexplained nocturnal death syndrome; Sudden Unexplained Death Syndrome; Sudden Unexplained Nocturnal Death Syndrome (SUNDS). Identifiers: Orphanet 130, MedGen C1142166, MONDO:0015263.

Submission:

Labcorp Genetics (formerly Invitae), Labcorp
Classification: Uncertain significance for Brugada syndrome. Last evaluated: 2022-02-27. Review status: criteria provided, single submitter. Criteria: Invitae Variant Classification Sherloc (09022015). Collection method: clinical testing. Allele origin: germline.
Comment: This sequence change affects codon 626 of the CACNA2D1 mRNA. It is a 'silent' change, meaning that it does not change the encoded amino acid sequence of the CACNA2D1 protein. This variant is not present in population databases (gnomAD no frequency). This variant has not been reported in the literature in individuals affected with CACNA2D1-related conditions. In summary, the available evidence is currently insufficient to determine the role of this variant in disease. Therefore, it has been classified as a Variant of Uncertain Significance. Algorithms developed to predict the effect of sequence changes on RNA splicing suggest that this variant may create or strengthen a splice site.

NM_000722.4(CACNA2D1):c.1878A>G (p.Lys626=)

Gene: CACNA2D1 (calcium voltage-gated channel auxiliary subunit alpha2delta 1; minus strand). Cytogenetic location: 7q21.11.
Variant type: single nucleotide variant.
Coding change: c.1878A>G on transcript NM_000722.4 (MANE Select); coding-DNA position 1878, A replaced by G.
Protein change: p.Lys626=; no amino-acid change (lysine 626 retained).
Molecular consequence: synonymous variant. On other transcripts: intron variant (1).
Genome position (GRCh38, 1-based): chr7:81,983,330, T>C on the plus strand (A>G on the coding strand, the complement: CACNA2D1 is on the minus strand). VCF-style: chr7-81983330-T-C. GRCh37 (hg19) VCF-style: chr7-81612646-T-C.
Other names: c.1931-703A>G (NM_001366867.1).
Identifiers: ClinVar variation 2104066 (VCV002104066.4), dbSNP rs2484795501, ClinGen allele CA456133060.